The following is an entry in ClinVar:

ClinVar aggregate classification (germline): Uncertain significance (1 of 4 stars; one submission).

Submission:

Ambry Genetics
Classification: Uncertain significance. Last evaluated: 2024-09-09. Review status: criteria provided, single submitter. Criteria: Ambry Variant Classification Scheme 2023. Collection method: clinical testing. Allele origin: germline.
Comment: The p.L83V variant (also known as c.247C>G), located in coding exon 3 of the RECQL gene, results from a C to G substitution at nucleotide position 247. The leucine at codon 83 is replaced by valine, an amino acid with highly similar properties. This amino acid position is conserved. In addition, the in silico prediction for this alteration is inconclusive. Based on the available evidence, the clinical significance of this variant remains unclear.

NM_002907.4(RECQL):c.247C>G (p.Leu83Val)

Gene: RECQL (RecQ like helicase; minus strand). Cytogenetic location: 12p12.1.
Variant type: single nucleotide variant.
Coding change: c.247C>G on transcript NM_002907.4 (MANE Select); coding-DNA position 247, C replaced by G.
Protein change: p.Leu83Val; replaces leucine 83 with valine.
Molecular consequence: missense variant.
Genome position (GRCh38, 1-based): chr12:21,490,346, G>C on the plus strand (C>G on the coding strand, the complement: RECQL is on the minus strand). VCF-style: chr12-21490346-G-C. GRCh37 (hg19) VCF-style: chr12-21643280-G-C.
Other names: c.247C>G, p.Leu83Val (NM_032941.3); short protein forms L83V.
Identifiers: ClinVar variation 3431795 (VCV003431795.1).
Genomic context (GRCh38, chr12:21,490,346, plus strand): 5'-TTACGTTAATAGTTTCAAGCTGAAGTGGTCTGAACTTTTCCAGTTTAAAGACATTTTGCA[G>C]AATATCTTTAACTTTACCAGACCATGGAAAATCTAGGAAAAGAAAGTTAAGAATCAGACA-3'
Protein context (NP_002898.2, residues 73-93): FPWSGKVKDI[Leu83Val]QNVFKLEKFR